The following is an entry in ClinVar:

NM_001206927.2(DNAH8):c.6097A>T (p.Thr2033Ser)

Gene: DNAH8 (dynein axonemal heavy chain 8; plus strand). Cytogenetic location: 6p21.2.
Variant type: single nucleotide variant.
Coding change: c.6097A>T on transcript NM_001206927.2 (MANE Select); coding-DNA position 6097, A replaced by T.
Protein change: p.Thr2033Ser; replaces threonine 2033 with serine.
Molecular consequence: missense variant.
Genome position (GRCh38, 1-based): chr6:38,860,595, A>T. VCF-style: chr6-38860595-A-T. GRCh37 (hg19) VCF-style: chr6-38828371-A-T.
Other names: c.5446A>T, p.Thr1816Ser (NM_001371.4); short protein forms T1816S, T2033S.
Identifiers: ClinVar variation 2656529 (VCV002656529.24), dbSNP rs1043207748, ClinGen allele CA364020871.

ClinVar aggregate classification (germline): Uncertain significance (1 of 4 stars; one submission).

Submission:

CeGaT Center for Human Genetics Tuebingen
Classification: Uncertain significance. Last evaluated: 2023-06-01. Review status: criteria provided, single submitter. Criteria: CeGaT Center For Human Genetics Tuebingen Variant Classification Criteria Version 2. Collection method: clinical testing. Allele origin: germline. Affected: yes. Observed: 1 variant allele.
Comment: DNAH8: PM2